The following is an entry in ClinVar:

NM_000817.3(GAD1):c.103G>A (p.Val35Met)

Gene: GAD1 (glutamate decarboxylase 1; plus strand). Cytogenetic location: 2q31.1.
Variant type: single nucleotide variant.
Coding change: c.103G>A on transcript NM_000817.3 (MANE Select); coding-DNA position 103, G replaced by A.
Protein change: p.Val35Met; replaces valine 35 with methionine.
Molecular consequence: missense variant.
Genome position (GRCh38, 1-based): chr2:170,822,107, G>A. VCF-style: chr2-170822107-G-A. GRCh37 (hg19) VCF-style: chr2-171678617-G-A.
Other names: c.103G>A, p.Val35Met (NM_013445.4); short protein forms V35M.
Identifiers: ClinVar variation 1976313 (VCV001976313.5), dbSNP rs987723157, ClinGen allele CA60598797.

ClinVar aggregate classification (germline): Uncertain significance (1 of 4 stars; one submission).

Conditions:
Neurodevelopmental disorder with progressive spasticity and brain white matter abnormalities. Also called: CEREBRAL PALSY, SPASTIC QUADRIPLEGIC, 1. Identifiers: Orphanet 210141, Orphanet 641353, MedGen C5436628, MONDO:0033613, OMIM 619026.

Allele frequency attached by ClinVar (database versions not stated): gnomAD exomes below 0.00001; TOPMed 0.00002.
gnomAD v4.1: 3 of 1,611,730 alleles (0.00019%); highest among the groups gnomAD compares: African/African-American, 0.004%; no homozygotes.

Submission:

Labcorp Genetics (formerly Invitae), Labcorp
Classification: Uncertain significance for Neurodevelopmental disorder with progressive spasticity and brain white matter abnormalities. Last evaluated: 2022-04-08. Review status: criteria provided, single submitter. Criteria: Invitae Variant Classification Sherloc (09022015). Collection method: clinical testing. Allele origin: germline.
Comment: In summary, the available evidence is currently insufficient to determine the role of this variant in disease. Therefore, it has been classified as a Variant of Uncertain Significance. Algorithms developed to predict the effect of missense changes on protein structure and function are either unavailable or do not agree on the potential impact of this missense change (SIFT: "Deleterious"; PolyPhen-2: "Possibly Damaging"; Align-GVGD: "Class C0"). This variant has not been reported in the literature in individuals affected with GAD1-related conditions. This variant is not present in population databases (gnomAD no frequency). This sequence change replaces valine, which is neutral and non-polar, with methionine, which is neutral and non-polar, at codon 35 of the GAD1 protein (p.Val35Met).